The following is an entry in ClinVar:

NM_002471.4(MYH6):c.5386C>T (p.Gln1796Ter)

Gene: MYH6 (myosin heavy chain 6; minus strand). Cytogenetic location: 14q11.2.
Variant type: single nucleotide variant.
Coding change: c.5386C>T on transcript NM_002471.4 (MANE Select); coding-DNA position 5386, C replaced by T.
Protein change: p.Gln1796Ter; replaces glutamine 1796 with a stop codon.
Molecular consequence: nonsense.
Genome position (GRCh38, 1-based): chr14:23,384,621, G>A on the plus strand (C>T on the coding strand, the complement: MYH6 is on the minus strand). VCF-style: chr14-23384621-G-A. GRCh37 (hg19) VCF-style: chr14-23853830-G-A.
Other names: short protein forms Q1796*.
Identifiers: ClinVar variation 3400845 (VCV003400845.2).
Genomic context (GRCh38, chr14:23,384,621, plus strand): 5'-TCTGCAGCTGCTTCTTGCCTCCCTTGAGGGCGATCTGCTCGGCCTCGTCCAGCCGGTGCT[G>A]CAGGTCCTTAATGGTCTGCTCCATGTTCTTCTTCATGCGCTCCAGGTGGGCGCTGGTGTC-3'

ClinVar aggregate classification (germline): Uncertain significance. Review status: criteria provided, multiple submitters, no conflicts (2 of 4 stars). 2 submissions from 2 submitters: Uncertain significance (2). Last evaluated 2025-07-26.

Conditions:
Cardiovascular phenotype. Identifiers: MedGen CN230736.

Submissions (2):

GeneDx
Classification: Uncertain significance. Last evaluated: 2025-07-26. Review status: criteria provided, single submitter. Criteria: GeneDx Variant Classification Process June 2021. Collection method: clinical testing. Allele origin: germline. Affected: yes.
Comment: Not observed at significant frequency in large population cohorts (gnomAD); Nonsense variant predicted to result in protein truncation or nonsense mediated decay in a gene or region of a gene for which loss of function is not a well-established mechanism of disease; Has not been previously published as pathogenic or benign to our knowledge

Ambry Genetics
Classification: Uncertain significance for Cardiovascular phenotype. Last evaluated: 2024-09-12. Review status: criteria provided, single submitter. Criteria: Ambry Variant Classification Scheme 2023. Collection method: clinical testing. Allele origin: germline.
Comment: The p.Q1796* variant (also known as c.5386C>T), located in coding exon 34 of the MYH6 gene, results from a C to T substitution at nucleotide position 5386. This changes the amino acid from a glutamine to a stop codon within coding exon 34. This alteration is expected to result in protein truncation or nonsense-mediated mRNA decay. However, loss of function of MYH6 has not been established as a mechanism of disease. Based on the available evidence, the clinical significance of this alteration remains unclear.